The following is an entry in ClinVar:

NM_001348323.3(TRIP12):c.2709G>A (p.Pro903=)

Gene: TRIP12 (thyroid hormone receptor interactor 12; minus strand). Cytogenetic location: 2q36.3.
Variant type: single nucleotide variant.
Coding change: c.2709G>A on transcript NM_001348323.3 (MANE Select); coding-DNA position 2709, G replaced by A.
Protein change: p.Pro903=; no amino-acid change (proline 903 retained).
Molecular consequence: synonymous variant.
Genome position (GRCh38, 1-based): chr2:229,804,169, C>T on the plus strand (G>A on the coding strand, the complement: TRIP12 is on the minus strand). VCF-style: chr2-229804169-C-T. GRCh37 (hg19) VCF-style: chr2-230668885-C-T.
Other names: c.2628G>A, p.Pro876= (NM_001284214.2, NM_001348315.2); c.2583G>A, p.Pro861= (NM_001284215.2, NM_001348316.2, NM_001348317.1 and 1 more transcripts); c.1674G>A, p.Pro558= (NM_001284216.2); c.2709G>A, p.Pro903= (NM_001348319.1, NM_001348320.2, NM_001348322.1 and 4 more transcripts); c.2712G>A, p.Pro904= (NM_001348321.1, NM_001348328.1, NM_001348329.2 and 1 more transcripts); c.2502G>A, p.Pro834= (NM_001348331.1); c.2622G>A, p.Pro874= (NM_001348332.1); c.2631G>A, p.Pro877= (NM_001348333.1); and 1 more.
Identifiers: ClinVar variation 3250698 (VCV003250698.18), dbSNP rs371540901.

ClinVar aggregate classification (germline): Likely benign (1 of 4 stars; one submission).

Allele frequency attached by ClinVar (database versions not stated): gnomAD 0.00004; gnomAD exomes 0.00005; TOPMed 0.00006; ExAC 0.00007; ESP Exome Variant Server 0.00008; 1000 Genomes Project 30x 0.00016; 1000 Genomes Project 0.00020.
gnomAD v4.1: 78 of 1,614,030 alleles (0.0048%); highest among the groups gnomAD compares: Admixed American, 0.022%; no homozygotes.

Submission:

CeGaT Center for Human Genetics Tuebingen
Classification: Likely benign. Last evaluated: 2024-06-01. Review status: criteria provided, single submitter. Criteria: CeGaT Center For Human Genetics Tuebingen Variant Classification Criteria Version 2. Collection method: clinical testing. Allele origin: germline. Affected: yes. Observed: 1 variant allele.
Comment: TRIP12: BP4, BP7